The following is an entry in ClinVar:

ClinVar aggregate classification (germline): Pathogenic. Review status: criteria provided, single submitter (1 of 4 stars). 2 submissions from 2 submitters: Pathogenic (1). 1 of the submissions does not count toward it. Last evaluated 2023-03-26.

Conditions:
Odonto-onycho-dermal dysplasia. Identifiers: Orphanet 2721, MedGen C0796093, MONDO:0009773, OMIM 257980.
Tooth agenesis, selective, 4 (STHAG4). Also called: LATERAL INCISORS, ABSENCE OF; LATERAL INCISORS, PEGGED OR MISSING; SUCCEDANEOUS TEETH, AGENESIS OF; TOOTH AGENESIS, SELECTIVE, 4, WITH OR WITHOUT ECTODERMAL DYSPLASIA. Identifiers: Orphanet 99798, MedGen C1835492, MONDO:0007881, OMIM 150400. Disease mechanism: loss of function.

Allele frequency attached by ClinVar (database versions not stated): TOPMed below 0.00001.

Submissions (2):

Labcorp Genetics (formerly Invitae), Labcorp
Classification: Pathogenic for Tooth agenesis, selective, 4; Odonto-onycho-dermal dysplasia. Last evaluated: 2023-03-26. Review status: criteria provided, single submitter. Criteria: Invitae Variant Classification Sherloc (09022015). Collection method: clinical testing. Allele origin: germline.
Comment: For these reasons, this variant has been classified as Pathogenic. This variant disrupts a region of the WNT10A protein in which other variant(s) (p.Glu390*) have been determined to be pathogenic (PMID: 24902757). This suggests that this is a clinically significant region of the protein, and that variants that disrupt it are likely to be disease-causing. ClinVar contains an entry for this variant (Variation ID: 4464). This premature translational stop signal has been observed in individual(s) with ectodermal dysplasia (PMID: 19559398). This variant is not present in population databases (gnomAD no frequency). This sequence change creates a premature translational stop signal (p.Cys376*) in the WNT10A gene. While this is not anticipated to result in nonsense mediated decay, it is expected to disrupt the last 42 amino acid(s) of the WNT10A protein.

OMIM
Classification: Pathogenic for ODONTOONYCHODERMAL DYSPLASIA. Last evaluated: 2009-07-01. Review status: no assertion criteria provided. Collection method: literature only. Allele origin: germline. Not counted in ClinVar's aggregate classification.

Literature cited by the submitters: PubMed 24902757 (cited by Labcorp Genetics (formerly Invitae), Labcorp); PubMed 19559398 (cited by Labcorp Genetics (formerly Invitae), Labcorp and OMIM).

NM_025216.3(WNT10A):c.1128C>A (p.Cys376Ter)

Gene: WNT10A (Wnt family member 10A; plus strand). Cytogenetic location: 2q35.
Variant type: single nucleotide variant.
Coding change: c.1128C>A on transcript NM_025216.3 (MANE Select); coding-DNA position 1128, C replaced by A.
Protein change: p.Cys376Ter; replaces cysteine 376 with a stop codon.
Molecular consequence: nonsense.
Genome position (GRCh38, 1-based): chr2:218,893,145, C>A. VCF-style: chr2-218893145-C-A. GRCh37 (hg19) VCF-style: chr2-219757867-C-A.
Other names: short protein forms C376*.
Identifiers: ClinVar variation 4464 (VCV000004464.4), dbSNP rs121908122, ClinGen allele CA116869.